The following is an entry in ClinVar:

ClinVar aggregate classification (germline): Benign/Likely benign. Review status: criteria provided, single submitter (1 of 4 stars). 6 submissions from 1 submitter: Benign (4); Likely benign (2). Last evaluated 2018-01-13.

Conditions:
Choroidal dystrophy, central areolar 2 (CACD2). Also called: MACULAR DYSTROPHY, PROGRESSIVE; Choriodal Dystrophy, Central Areolar 2. Identifiers: Orphanet 75377, MedGen C2751290, MONDO:0013137, OMIM 613105.
Patterned macular dystrophy 1. Also called: BUTTERFLY DYSTROPHY OF RETINAL PIGMENT EPITHELIUM; MACULAR DYSTROPHY, BUTTERFLY-SHAPED PIGMENTARY. Identifiers: Orphanet 99001, MedGen C4551999, MONDO:0008210, OMIM 169150.
Pigmentary retinal dystrophy. Also called: Fundus albipunctatus. Identifiers: Orphanet 227796, Orphanet 52427, MedGen C0311338, MONDO:0007639, OMIM 136880, HP:0030642.
Retinitis pigmentosa (RP). Identifiers: Orphanet 791, MedGen C0035334, MeSH D012174, MONDO:0019200, OMIM 268000. Inheritance: Autosomal dominant, autosomal recessive and X linked inheritance.
Cone-rod dystrophy. Also called: Cone-rod degeneration; Cone/cone-rod dystrophy. Identifiers: Orphanet 1872, MedGen C4085590, MONDO:0015993, HP:0000548.
Adult-onset foveomacular vitelliform dystrophy. Also called: FOVEOMACULAR DYSTROPHY, ADULT-ONSET; FOVEOMACULAR DYSTROPHY, ADULT-ONSET, WITH OR WITHOUT CHOROIDAL NEOVASCULARIZATION; Adult onset vitelliform dystrophy. Identifiers: Orphanet 99000, MedGen C1842914, MONDO:0011979.

Allele frequency attached by ClinVar (database versions not stated): gnomAD 0.00615 and 0.00657; 1000 Genomes Project 0.00679; TOPMed 0.00700; 1000 Genomes Project 30x 0.00718.

Submissions (6):

Illumina Laboratory Services, Illumina
Classification: Benign for Cone-rod dystrophy. Last evaluated: 2018-01-13. Review status: criteria provided, single submitter. Criteria: ICSL Variant Classification Criteria 13 December 2019. Collection method: clinical testing. Allele origin: germline.
Comment: This variant was observed in the ICSL laboratory as part of a predisposition screen in an ostensibly healthy population. It had not been previously curated by ICSL or reported in the Human Gene Mutation Database (HGMD: prior to June 1st, 2018), and was therefore a candidate for classification through an automated scoring system. Utilizing variant allele frequency, disease prevalence and penetrance estimates, and inheritance mode, an automated score was calculated to assess if this variant is too frequent to cause the disease. Based on the score and internal cut-off values, a variant classified as benign is not then subjected to further curation. The score for this variant resulted in a classification of benign for this disease.

Illumina Laboratory Services, Illumina
Classification: Benign for Retinitis pigmentosa. Last evaluated: 2018-01-13. Review status: criteria provided, single submitter. Criteria: ICSL Variant Classification Criteria 13 December 2019. Collection method: clinical testing. Allele origin: germline.
Comment: the same text as in the submission from Illumina Laboratory Services, Illumina above.

Illumina Laboratory Services, Illumina
Classification: Likely benign for Patterned macular dystrophy 1. Last evaluated: 2018-01-13. Review status: criteria provided, single submitter. Criteria: ICSL Variant Classification Criteria 13 December 2019. Collection method: clinical testing. Allele origin: germline.
Comment: This variant was observed in the ICSL laboratory as part of a predisposition screen in an ostensibly healthy population. It had not been previously curated by ICSL or reported in the Human Gene Mutation Database (HGMD: prior to June 1st, 2018), and was therefore a candidate for classification through an automated scoring system. Utilizing variant allele frequency, disease prevalence and penetrance estimates, and inheritance mode, an automated score was calculated to assess if this variant is too frequent to cause the disease. Based on the score and internal cut-off values, a variant classified as likely benign is not then subjected to further curation. The score for this variant resulted in a classification of likely benign for this disease.

Illumina Laboratory Services, Illumina
Classification: Likely benign for Pigmentary retinal dystrophy. Last evaluated: 2018-01-13. Review status: criteria provided, single submitter. Criteria: ICSL Variant Classification Criteria 13 December 2019. Collection method: clinical testing. Allele origin: germline.
Comment: the same text as in the submission from Illumina Laboratory Services, Illumina above.

Illumina Laboratory Services, Illumina
Classification: Benign for Choroidal dystrophy, central areolar 2. Last evaluated: 2018-01-13. Review status: criteria provided, single submitter. Criteria: ICSL Variant Classification Criteria 13 December 2019. Collection method: clinical testing. Allele origin: germline.
Comment: the same text as in the submission from Illumina Laboratory Services, Illumina above.

Illumina Laboratory Services, Illumina
Classification: Benign for Vitelliform macular dystrophy 3. Last evaluated: 2018-01-13. Review status: criteria provided, single submitter. Criteria: ICSL Variant Classification Criteria 13 December 2019. Collection method: clinical testing. Allele origin: germline.
Comment: the same text as in the submission from Illumina Laboratory Services, Illumina above.

NM_000322.5(PRPH2):c.*989G>A

Gene: PRPH2 (peripherin 2; minus strand). Cytogenetic location: 6p21.1.
Variant type: single nucleotide variant.
Coding change: c.*989G>A on transcript NM_000322.5 (MANE Select); 989 bases downstream of the stop codon, G replaced by A.
Molecular consequence: 3 prime UTR variant.
Genome position (GRCh38, 1-based): chr6:42,697,306, C>T on the plus strand (G>A on the coding strand, the complement: PRPH2 is on the minus strand). VCF-style: chr6-42697306-C-T. GRCh37 (hg19) VCF-style: chr6-42665044-C-T.
Identifiers: ClinVar variation 356757 (VCV000356757.5), dbSNP rs142990052, ClinGen allele CA10622100.
Genomic context (GRCh38, chr6:42,697,306, plus strand): 5'-TTTGATGCAGAAGCATTCCAGAAATAGTGTTTTTCAAGATGGGTATCTGGGGGGAAGAAA[C>T]GGAAGAAGCTCCCAGAGGATTCCTTGCCCTTTGCTGTGGACAATTAGTGTTGTCCATGGG-3'